The following is an entry in ClinVar:

ClinVar aggregate classification (germline): Uncertain significance. Review status: criteria provided, multiple submitters, no conflicts (2 of 4 stars). 2 submissions from 2 submitters: Uncertain significance (2). Last evaluated 2024-04-22.

Conditions:
Inborn genetic diseases. Identifiers: MedGen C0950123, MeSH D030342.

Allele frequency attached by ClinVar (database versions not stated): TOPMed below 0.00001; gnomAD exomes 0.00001; 1000 Genomes Project 30x 0.00016.

Submissions (2):

Labcorp Genetics (formerly Invitae), Labcorp
Classification: Uncertain significance. Last evaluated: 2024-04-22. Review status: criteria provided, single submitter. Criteria: Invitae Variant Classification Sherloc (09022015). Collection method: clinical testing. Allele origin: germline.
Comment: This sequence change replaces cysteine, which is neutral and slightly polar, with serine, which is neutral and polar, at codon 1088 of the EYS protein (p.Cys1088Ser). This variant is not present in population databases (gnomAD no frequency). This variant has not been reported in the literature in individuals affected with EYS-related conditions. ClinVar contains an entry for this variant (Variation ID: 2172509). Algorithms developed to predict the effect of missense changes on protein structure and function output the following: SIFT: "Not Available"; PolyPhen-2: "Possibly Damaging"; Align-GVGD: "Not Available". The serine amino acid residue is found in multiple mammalian species, which suggests that this missense change does not adversely affect protein function. In summary, the available evidence is currently insufficient to determine the role of this variant in disease. Therefore, it has been classified as a Variant of Uncertain Significance.

Ambry Genetics
Classification: Uncertain significance for Inborn genetic diseases. Last evaluated: 2022-08-30. Review status: criteria provided, single submitter. Criteria: Ambry Variant Classification Scheme 2023. Collection method: clinical testing. Allele origin: germline.

NM_001142800.2(EYS):c.3262T>A (p.Cys1088Ser)

Gene: EYS (eyes shut homolog; minus strand). Cytogenetic location: 6q12.
Variant type: single nucleotide variant.
Coding change: c.3262T>A on transcript NM_001142800.2 (MANE Select); coding-DNA position 3262, T replaced by A.
Protein change: p.Cys1088Ser; replaces cysteine 1088 with serine.
Molecular consequence: missense variant.
Genome position (GRCh38, 1-based): chr6:64,813,559, A>T on the plus strand (T>A on the coding strand, the complement: EYS is on the minus strand). VCF-style: chr6-64813559-A-T. GRCh37 (hg19) VCF-style: chr6-65523452-A-T.
Other names: c.3262T>A, p.Cys1088Ser (NM_001292009.2); c.3262T>A (NM_001142800.1); short protein forms C1088S.
Identifiers: ClinVar variation 2172509 (VCV002172509.3), dbSNP rs1764663564, ClinGen allele CA364787073.
Genomic context (GRCh38, chr6:64,813,559, plus strand): 5'-CACGTGGGCAAATGCAAGTAAATCCATGTGCTGACTTCTGACAGAAGCCTTCATTCATAC[A>T]AGGGATTGATGTGCAGTCCTAGATTAAGAAATAGAGAATCAAATTTGATTATTAGTATAA-3'
Protein context (NP_001136272.1, residues 1078-1098): IKINDCTSIP[Cys1088Ser]MNEGFCQKSA